The following is an entry in ClinVar:

ClinVar aggregate classification (germline): Pathogenic (1 of 4 stars; one submission).

Conditions:
Peutz-Jeghers syndrome (PJS). Also called: POLYPOSIS, HAMARTOMATOUS INTESTINAL; POLYPS-AND-SPOTS SYNDROME; Peutz-Jeghers polyposis; Periorificial lentiginosis syndrome. Identifiers: Orphanet 2869, MedGen C0031269, MeSH D010580, MONDO:0008280, OMIM 175200.

Submission:

Labcorp Genetics (formerly Invitae), Labcorp
Classification: Pathogenic for Peutz-Jeghers syndrome. Last evaluated: 2017-06-28. Review status: criteria provided, single submitter. Criteria: Invitae Variant Classification Sherloc (09022015). Collection method: clinical testing. Allele origin: germline.
Comment: This sequence change creates a premature translational stop signal (p.Ala295Glufs*21) in the STK11 gene. It is expected to result in an absent or disrupted protein product. This variant is not present in population databases (ExAC no frequency). This variant has not been reported in the literature in individuals with STK11-related disease. Loss-of-function variants in STK11 are known to be pathogenic (PMID: 15188174, 16287113). For these reasons, this variant has been classified as Pathogenic.

Literature cited by the submitters: PubMed 15188174; PubMed 16287113.

NM_000455.5(STK11):c.884_888del (p.Ala295fs)

Gene: STK11 (serine/threonine kinase 11; plus strand). Cytogenetic location: 19p13.3.
Variant type: Deletion.
Coding change: c.884_888del on transcript NM_000455.5 (MANE Select); coding-DNA positions 884 to 888, 5 bases deleted (CCAAG; older notation c.884_888delCCAAG).
Protein change: p.Ala295fs; shifts the reading frame from alanine 295.
Molecular consequence: frameshift variant.
Genome position (GRCh38, 1-based): chr19:1,221,970-1,221,974, CCAAG deleted; deleting any 5 consecutive bases within chr19:1,221,969-1,221,974 gives the same sequence; the c. name uses the placement nearest the transcript's 3' end. VCF-style (leftmost placement, unchanged base first): chr19-1221968-GGCCAA-G. GRCh37 (hg19) VCF-style: chr19-1221967-GGCCAA-G.
Other names: c.884_888delCCAAG (NM_000455.4); short protein forms A295fs.
Identifiers: ClinVar variation 458070 (VCV000458070.6), dbSNP rs1555738863, ClinGen allele CA658656766.
Genomic context (GRCh38, chr19:1,221,968, plus strand): 5'-CCTGTGCCCAGCTGACAGGCTCCTCGCCGGCTTCTCCTCAGGGATGCTTGAGTACGAACC[GGCCAA>G]GAGGTTCTCCATCCGGCAGATCCGGCAGCACAGGTGAGCGGCCCCTGGGGGCAGTGGGGC-3'